The following is an entry in ClinVar:

NM_005633.4(SOS1):c.3724A>G (p.Ser1242Gly)

Gene: SOS1 (SOS Ras/Rac guanine nucleotide exchange factor 1; minus strand). Cytogenetic location: 2p22.1.
Variant type: single nucleotide variant.
Coding change: c.3724A>G on transcript NM_005633.4 (MANE Select); coding-DNA position 3724, A replaced by G.
Protein change: p.Ser1242Gly; replaces serine 1242 with glycine.
Molecular consequence: missense variant.
Genome position (GRCh38, 1-based): chr2:38,986,102, T>C on the plus strand (A>G on the coding strand, the complement: SOS1 is on the minus strand). VCF-style: chr2-38986102-T-C. GRCh37 (hg19) VCF-style: chr2-39213243-T-C.
Other names: c.3703A>G, p.Ser1235Gly (NM_001382394.1); c.3679A>G, p.Ser1227Gly (NM_001382395.1); short protein forms S1242G, S1227G, S1235G.
Identifiers: ClinVar variation 496306 (VCV000496306.11), dbSNP rs1293079271, ClinGen allele CA346362449.

ClinVar aggregate classification (germline): Conflicting classifications of pathogenicity. Review status: criteria provided, conflicting classifications (1 of 4 stars). 6 submissions from 5 submitters: Uncertain significance (5); Likely benign (1). Last evaluated 2026-01-24.

Conditions:
SOS1-related disorder. Also called: SOS1-related condition.
Cardiovascular phenotype. Identifiers: MedGen CN230736.
RASopathy. Also called: Noonan spectrum disorder; rasopathies. Identifiers: Orphanet 536391, MedGen C5555857, MONDO:0021060.
Noonan syndrome 4 (NS4). Also called: SOS1-Related Noonan Syndrome; NOONAN SYNDROME WITH PIGMENTED VILLONODULAR SYNOVITIS. Identifiers: Orphanet 648, MedGen C1853120, MONDO:0012547, OMIM 610733.
Fibromatosis, gingival, 1 (GINGF1). Identifiers: Orphanet 2024, MedGen C4551558, MONDO:0007609, OMIM 135300.

Allele frequency attached by ClinVar (database versions not stated): gnomAD exomes below 0.00001 and 0.00001.

Submissions (6):

Labcorp Genetics (formerly Invitae), Labcorp
Classification: Likely benign for RASopathy. Last evaluated: 2026-01-24. Review status: criteria provided, single submitter. Criteria: Invitae Variant Classification Sherloc (09022015). Collection method: clinical testing. Allele origin: germline.

PreventionGenetics, part of Exact Sciences
Classification: Uncertain significance for SOS1-related condition. Last evaluated: 2025-10-17. Review status: criteria provided, single submitter. Criteria: ACMG Guidelines, 2015. Collection method: clinical testing. Allele origin: germline.
Comment: The SOS1 c.3724A>G variant is predicted to result in the amino acid substitution p.Ser1242Gly. To our knowledge, this variant has not been reported in the literature. This variant is reported in 0.00088% of alleles in individuals of European (Non-Finnish) descent in gnomAD. At this time, the clinical significance of this variant is uncertain due to the absence of conclusive functional and genetic evidence.

Ambry Genetics
Classification: Uncertain significance for Cardiovascular phenotype. Last evaluated: 2024-06-09. Review status: criteria provided, single submitter. Criteria: Ambry Variant Classification Scheme 2023. Collection method: clinical testing. Allele origin: germline.
Comment: The p.S1242G variant (also known as c.3724A>G), located in coding exon 23 of the SOS1 gene, results from an A to G substitution at nucleotide position 3724. The serine at codon 1242 is replaced by glycine, an amino acid with similar properties. This amino acid position is conserved. In addition, this alteration is predicted to be tolerated by in silico analysis. Based on the available evidence, the clinical significance of this variant remains unclear.

Women's Health and Genetics/Laboratory Corporation of America, LabCorp
Classification: Uncertain significance. Last evaluated: 2017-07-17. Review status: criteria provided, single submitter. Criteria: LabCorp Variant Classification Summary - May 2015. Collection method: clinical testing. Allele origin: germline.
Comment: Variant summary: The c.3724A>G (p.Ser1241Gly) in BSOS1 gene is a missense variant involves a mildly conserved nucleotide and 3/5 in silico tools predict benign outcome, however no functional studies supporting these predictions were published at the time of evaluation. The variant is located within the domain of unknown function, which functionality is yet to be elucidated. The variant is absent from the control population dataset of ExAC, but is present at a low frequency in gnomAD dataset (0.000004070; 1/245718 chrs tested), which does not exceed the maximal expected allele frequency for a disease causing allele in SOS1 gene (0.00003). To our knowledge, the variant has not been reported in affected individuals via published reports or cited by reputable databases/clinical laboratories. Taken together, the variant was classified as VUS, until new information becomes available.

Genome-Nilou Lab
Classification: Uncertain significance for Noonan syndrome 4. Review status: criteria provided, single submitter. Criteria: ACMG Guidelines, 2015. Collection method: clinical testing. Allele origin: germline.

Genome-Nilou Lab
Classification: Uncertain significance for Fibromatosis, gingival, 1. Review status: criteria provided, single submitter. Criteria: ACMG Guidelines, 2015. Collection method: clinical testing. Allele origin: germline.